The following is an entry in ClinVar:

ClinVar aggregate classification (germline): not provided (0 of 4 stars; one submission).

Conditions:
Preeclampsia. Identifiers: Orphanet 275555, MedGen C0032914, MONDO:0005081, HP:0100602.

Submission:

Institute of Molecular and Cell Biology, University of Tartu
No classification provided. Condition: Preeclampsia. Review status: no classification provided. Collection method: case-control. Allele origin: unknown. Affected: yes. Study: Kasak2014.
Comment: The study aimed to determine the contribution of copy number variants in the genetic etiology of normal and complicated pregnancies. The samples represented (i) maternal blood DNA drawn from healthy pregnant women during 1st or 2nd trimester and (ii) maternal and paternal blood DNA drawn at term pregnancy cases representing normal and complicated gestations (severe preeclampsia, PE; gestational diabetes, GD; small-for-gestational age newborn, SGA; large-for-gestational age newborn, LGA). We performed CNV calling based on genome-wide genotyping dataset (Illumina HumanOmniExpress-24-v1 BeadChip) by applying three algorithms, QuantiSNP, GADA (Genome Alteration Detection Algorithm) and CNstream in parallel. The acquired CNV calls were merged with HD-CNV (Hotspot Detector for Copy Number Variants) program and only the CNVs predicted by at least two programs, were considered in subsequent analysis.

Literature cited by the submitters: PubMed 25666259.

NM_002531.2(NTSR1):c.*2254_*20847del

Genes: LINC00659 (long intergenic non-protein coding RNA 659; minus strand), NTSR1 (neurotensin receptor 1; plus strand). Cytogenetic location: 20q13.33.
Variant type: Deletion.
Coding change: c.*2254_*20847del on transcript NM_002531.2; 2254 bases downstream of the stop codon through 20847 bases downstream of the stop codon, this stretch deleted.
Identifiers: ClinVar variation 157466 (VCV000157466.2).